The following is an entry in ClinVar:

ClinVar aggregate classification (germline): Uncertain significance (1 of 4 stars; one submission).

Allele frequency attached by ClinVar (database versions not stated): gnomAD exomes below 0.00001.
gnomAD v4.1: 2 of 1,614,188 alleles (0.00012%); highest among the groups gnomAD compares: Non-Finnish European, 0.00017%; no homozygotes.

Submission:

Labcorp Genetics (formerly Invitae), Labcorp
Classification: Uncertain significance. Last evaluated: 2022-03-28. Review status: criteria provided, single submitter. Criteria: Invitae Variant Classification Sherloc (09022015). Collection method: clinical testing. Allele origin: germline.
Comment: In summary, the available evidence is currently insufficient to determine the role of this variant in disease. Therefore, it has been classified as a Variant of Uncertain Significance. Algorithms developed to predict the effect of sequence changes on RNA splicing suggest that this variant may disrupt the consensus splice site. This variant has not been reported in the literature in individuals affected with LIPC-related conditions. This variant is not present in population databases (gnomAD no frequency). This sequence change affects codon 84 of the LIPC mRNA. It is a 'silent' change, meaning that it does not change the encoded amino acid sequence of the LIPC protein.

NM_000236.3(LIPC):c.252G>A (p.Val84=)

Gene: LIPC (lipase C, hepatic type; plus strand). Cytogenetic location: 15q21.3.
Variant type: single nucleotide variant.
Coding change: c.252G>A on transcript NM_000236.3 (MANE Select); coding-DNA position 252, G replaced by A.
Protein change: p.Val84=; no amino-acid change (valine 84 retained).
Molecular consequence: synonymous variant.
Genome position (GRCh38, 1-based): chr15:58,538,496, G>A. VCF-style: chr15-58538496-G-A. GRCh37 (hg19) VCF-style: chr15-58830695-G-A.
Identifiers: ClinVar variation 2118745 (VCV002118745.4), dbSNP rs2548779707, ClinGen allele CA490483249.